The following is an entry in ClinVar:

ClinVar aggregate classification (germline): Uncertain significance (1 of 4 stars; one submission).

Conditions:
Inborn genetic diseases. Identifiers: MedGen C0950123, MeSH D030342.

Submission:

Ambry Genetics
Classification: Uncertain significance for Inborn genetic diseases. Last evaluated: 2025-12-15. Review status: criteria provided, single submitter. Criteria: Ambry Variant Classification Scheme 2023. Collection method: clinical testing. Allele origin: germline.
Comment: The p.P65T variant (also known as c.193C>A), located in coding exon 3 of the FANCG gene, results from a C to A substitution at nucleotide position 193. The proline at codon 65 is replaced by threonine, an amino acid with highly similar properties. This amino acid position is conserved. In addition, this alteration is predicted to be tolerated by in silico analysis. Based on the available evidence, the clinical significance of this variant remains unclear.

NM_004629.2(FANCG):c.193C>A (p.Pro65Thr)

Gene: FANCG (FA complementation group G; minus strand). Cytogenetic location: 9p13.3.
Variant type: single nucleotide variant.
Coding change: c.193C>A on transcript NM_004629.2 (MANE Select); coding-DNA position 193, C replaced by A.
Protein change: p.Pro65Thr; replaces proline 65 with threonine.
Molecular consequence: missense variant.
Genome position (GRCh38, 1-based): chr9:35,078,719, G>T on the plus strand (C>A on the coding strand, the complement: FANCG is on the minus strand). VCF-style: chr9-35078719-G-T. GRCh37 (hg19) VCF-style: chr9-35078716-G-T.
Other names: short protein forms P65T.
Identifiers: ClinVar variation 4841397 (VCV004841397.1).